The following is an entry in ClinVar:

NM_001368882.1(COL13A1):c.7G>A (p.Ala3Thr)

Gene: COL13A1 (collagen type XIII alpha 1 chain; plus strand). Cytogenetic location: 10q22.1.
Variant type: single nucleotide variant.
Coding change: c.7G>A on transcript NM_001368882.1 (MANE Select); coding-DNA position 7, G replaced by A.
Protein change: p.Ala3Thr; replaces alanine 3 with threonine.
Molecular consequence: missense variant. On other transcripts: 5 prime UTR variant (1).
Genome position (GRCh38, 1-based): chr10:69,802,430, G>A. VCF-style: chr10-69802430-G-A. GRCh37 (hg19) VCF-style: chr10-71562186-G-A.
Other names: c.7G>A, p.Ala3Thr (NM_001130103.2, NM_001320951.2, NM_001368883.1 and 11 more transcripts); c.-647G>A (NM_001368886.1); short protein forms A3T.
Identifiers: ClinVar variation 1353832 (VCV001353832.8), dbSNP rs2131975763, ClinGen allele CA376961379.

ClinVar aggregate classification (germline): Uncertain significance (1 of 4 stars; one submission).

Allele frequency attached by ClinVar (database versions not stated): gnomAD exomes below 0.00001.
gnomAD v4.1: 1 of 1,497,532 alleles (0.000067%); highest among the groups gnomAD compares: Non-Finnish European, 0.000089%; no homozygotes.

Submission:

Labcorp Genetics (formerly Invitae), Labcorp
Classification: Uncertain significance. Last evaluated: 2021-05-31. Review status: criteria provided, single submitter. Criteria: Invitae Variant Classification Sherloc (09022015). Collection method: clinical testing. Allele origin: germline.
Comment: This sequence change replaces alanine with threonine at codon 3 of the COL13A1 protein (p.Ala3Thr). The alanine residue is weakly conserved and there is a small physicochemical difference between alanine and threonine. The frequency data for this variant in the population databases is considered unreliable, as metrics indicate insufficient coverage at this position in the ExAC database. This variant has not been reported in the literature in individuals with COL13A1-related conditions. Algorithms developed to predict the effect of missense changes on protein structure and function are either unavailable or do not agree on the potential impact of this missense change (SIFT: "Deleterious"; PolyPhen-2: "Probably Damaging"; Align-GVGD: "Class C0"). Algorithms developed to predict the effect of sequence changes on RNA splicing suggest that this variant may create or strengthen a splice site, but this prediction has not been confirmed by published transcriptional studies. In summary, the available evidence is currently insufficient to determine the role of this variant in disease. Therefore, it has been classified as a Variant of Uncertain Significance.